The following is an entry in ClinVar:

NM_014140.4(SMARCAL1):c.949G>A (p.Glu317Lys)

Gene: SMARCAL1 (SNF2 related chromatin remodeling annealing helicase 1; plus strand). Cytogenetic location: 2q35.
Variant type: single nucleotide variant.
Coding change: c.949G>A on transcript NM_014140.4 (MANE Select); coding-DNA position 949, G replaced by A.
Protein change: p.Glu317Lys; replaces glutamic acid 317 with lysine.
Molecular consequence: missense variant.
Genome position (GRCh38, 1-based): chr2:216,420,385, G>A. VCF-style: chr2-216420385-G-A. GRCh37 (hg19) VCF-style: chr2-217285108-G-A.
Other names: c.949G>A, p.Glu317Lys (NM_001127207.2); c.949G>A (NM_014140.3); short protein forms E317K.
Identifiers: ClinVar variation 1675133 (VCV001675133.4), dbSNP rs1431549731, ClinGen allele CA350498430.
Genomic context (GRCh38, chr2:216,420,385, plus strand): 5'-GTCAACCTGCAGCCTCTGGAATGGGCCTATGGCAGCAGCGAGTCACCCTCCACCAGCAGT[G>A]AGGGACAGGCCGGCCTTCCATCAGCTCCATCCCTTTCATTTGTCAAAGGGCGATGCATGC-3'
Protein context (NP_054859.2, residues 307-327): GSSESPSTSS[Glu317Lys]GQAGLPSAPS

ClinVar aggregate classification (germline): Uncertain significance. Review status: criteria provided, multiple submitters, no conflicts (2 of 4 stars). 2 submissions from 2 submitters: Uncertain significance (2). Last evaluated 2021-07-09.

Conditions:
Inborn genetic diseases. Identifiers: MedGen C0950123, MeSH D030342.
Schimke immuno-osseous dysplasia (SIOD). Also called: Schimke Immunoosseous Dysplasia. Identifiers: Orphanet 1830, MedGen C0877024, MONDO:0009458, OMIM 242900.

Allele frequency attached by ClinVar (database versions not stated): gnomAD exomes below 0.00001; gnomAD 0.00001; TOPMed 0.00001.
gnomAD v4.1: 6 of 1,614,106 alleles (0.00037%); highest among the groups gnomAD compares: South Asian, 0.0011%; no homozygotes.

Submissions (2):

Ambry Genetics
Classification: Uncertain significance for Inborn genetic diseases. Last evaluated: 2021-07-09. Review status: criteria provided, single submitter. Criteria: Ambry Variant Classification Scheme 2023. Collection method: clinical testing. Allele origin: germline.

Center for Genomics, Ann and Robert H. Lurie Children's Hospital of Chicago
Classification: Uncertain significance for Schimke immuno-osseous dysplasia. Last evaluated: 2021-05-12. Review status: criteria provided, single submitter. Criteria: ACMG Guidelines, 2015. Collection method: clinical testing. Allele origin: germline.
Comment: SMARCAL1 NM_014140.3 exon 5 p.Glu317Lys (c.949G>A): This variant has not been reported in the literature but is present in 0.002% (2/68032) of European alleles in the Genome Aggregation Database. Evolutionary conservation and computational predictive tools suggest that this variant may not impact the protein. Of note, although this variant occurs in the exon, splice prediction tools suggest that this variant may affect splicing. However, further studies are needed to understand its impact. In summary, data on this variant is insufficient for disease classification. Therefore, the clinical significance of this variant is uncertain.